The following is an entry in ClinVar:

NM_001128840.3(CACNA1D):c.3154C>G (p.Pro1052Ala)

Gene: CACNA1D (calcium voltage-gated channel subunit alpha1 D; plus strand). Cytogenetic location: 3p21.1.
Variant type: single nucleotide variant.
Coding change: c.3154C>G on transcript NM_001128840.3 (MANE Select); coding-DNA position 3154, C replaced by G.
Protein change: p.Pro1052Ala; replaces proline 1052 with alanine.
Molecular consequence: missense variant.
Genome position (GRCh38, 1-based): chr3:53,745,862, C>G. VCF-style: chr3-53745862-C-G. GRCh37 (hg19) VCF-style: chr3-53779889-C-G.
Other names: c.3214C>G, p.Pro1072Ala (NM_000720.4); c.3154C>G, p.Pro1052Ala (NM_001128839.3); short protein forms P1052A, P1072A.
Identifiers: ClinVar variation 4775797 (VCV004775797.1).

ClinVar aggregate classification (germline): Uncertain significance (1 of 4 stars; one submission).

gnomAD v4.1: 3 of 1,613,424 alleles (0.00019%); highest among the groups gnomAD compares: Non-Finnish European, 0.00025%; no homozygotes.

Submission:

Labcorp Genetics (formerly Invitae), Labcorp
Classification: Uncertain significance. Last evaluated: 2025-12-13. Review status: criteria provided, single submitter. Criteria: Invitae Variant Classification Sherloc (09022015). Collection method: clinical testing. Allele origin: germline.
Comment: This sequence change replaces proline, which is neutral and non-polar, with alanine, which is neutral and non-polar, at codon 1072 of the CACNA1D protein (p.Pro1072Ala). This variant is present in population databases (rs771135764, gnomAD 0.002%). This variant has not been reported in the literature in individuals affected with CACNA1D-related conditions. Invitae Evidence Modeling of protein sequence and biophysical properties (such as structural, functional, and spatial information, amino acid conservation, physicochemical variation, residue mobility, and thermodynamic stability) indicates that this missense variant is not expected to disrupt CACNA1D protein function with a negative predictive value of 80%. In summary, the available evidence is currently insufficient to determine the role of this variant in disease. Therefore, it has been classified as a Variant of Uncertain Significance.